The following is an entry in ClinVar:

NM_000204.5(CFI):c.1429+1G>C

Gene: CFI (complement factor I; minus strand). Cytogenetic location: 4q25.
Variant type: single nucleotide variant.
Coding change: c.1429+1G>C on transcript NM_000204.5 (MANE Select); the canonical splice donor site of the intron after coding-DNA position 1429, G replaced by C.
Molecular consequence: splice donor variant.
Genome position (GRCh38, 1-based): chr4:109,746,221, C>G on the plus strand (G>C on the coding strand, the complement: CFI is on the minus strand). VCF-style: chr4-109746221-C-G. GRCh37 (hg19) VCF-style: chr4-110667377-C-G.
Other names: c.1408+1G>C (NM_001375282.1, NM_001375280.1, NM_001331035.2); c.1429+1G>C (NM_001375281.1, NM_001375279.1); c.1453+1G>C (NM_001375278.1, NM_001318057.2); c.820+1G>C (NM_001375284.1); c.1372+1G>C (NM_001375283.1).
Identifiers: ClinVar variation 1066334 (VCV001066334.14), dbSNP rs368555424, ClinGen allele CA3041917.

ClinVar aggregate classification (germline): Pathogenic/Likely pathogenic. Review status: criteria provided, multiple submitters, no conflicts (2 of 4 stars). 7 submissions from 7 submitters: Pathogenic (5); Likely pathogenic (2). Last evaluated 2026-03-24.

Conditions:
Atypical hemolytic-uremic syndrome with I factor anomaly. Also called: HEMOLYTIC UREMIC SYNDROME, ATYPICAL, SUSCEPTIBILITY TO, 3; AHUS, SUSCEPTIBILITY TO, 3. Identifiers: Orphanet 2134, MedGen C2752039, MONDO:0013041, OMIM 612923.
Factor I deficiency (CFID). Also called: Complement factor I deficiency. Identifiers: Orphanet 200418, MedGen C3463916, MONDO:0012594, OMIM 610984.
Age related macular degeneration 13. Identifiers: MedGen C3809523, MONDO:0014189, OMIM 615439.
CFI-related disorder. Also called: CFI-related disorders; CFI-related condition. Identifiers: MedGen CN239325.
Atypical hemolytic-uremic syndrome. Identifiers: Orphanet 2134, MedGen C2931788, MONDO:0016244.

Allele frequency attached by ClinVar (database versions not stated): TOPMed 0.00002; ExAC 0.00003; gnomAD 0.00003 and 0.00004; gnomAD exomes 0.00003; ESP Exome Variant Server 0.00008.
gnomAD v4.1: 34 of 1,613,954 alleles (0.0021%); highest among the groups gnomAD compares: Non-Finnish European, 0.0029%; no homozygotes.

Submissions (7):

PreventionGenetics, part of Exact Sciences
Classification: Pathogenic for CFI-related condition. Last evaluated: 2026-03-24. Review status: criteria provided, single submitter. Criteria: ACMG Guidelines, 2015. Collection method: clinical testing. Allele origin: germline.
Comment: The CFI c.1429+1G>C variant is predicted to disrupt the GT donor site and interfere with normal splicing. This variant has been reported in individuals with autosomal dominant atypical hemolytic uremic syndrome (aHUS) (Bresin et al. 2013. PubMed ID: 23431077; Ipe et al. 2017. PubMed ID: 28455885) and individuals with autosomal dominant age-related macular degeneration (chr4:110667377 "Donor" in Supplementary Table 4, Seddon et al. 2013. PubMed ID: 24036952). A serum-based assay showed that this variant results in reduced complement factor I expression (Java et al. 2020. PubMed ID: 32908800). This variant is reported in 0.0046% of alleles in individuals of European (Non-Finnish) descent in gnomAD. Variants that disrupt the consensus splice donor site in CFI are expected to be pathogenic. This variant is interpreted as pathogenic for both autosomal dominant and recessive CFI-related disorders.

Labcorp Genetics (formerly Invitae), Labcorp
Classification: Pathogenic. Last evaluated: 2025-10-21. Review status: criteria provided, single submitter. Criteria: Invitae Variant Classification Sherloc (09022015). Collection method: clinical testing. Allele origin: germline.
Comment: This sequence change affects a donor splice site in intron 11 of the CFI gene. It is expected to disrupt RNA splicing. Variants that disrupt the donor or acceptor splice site typically lead to a loss of protein function (PMID: 16199547), and loss-of-function variants in CFI are known to be pathogenic (PMID: 15917334, 16621965, 19065647, 20016463, 22710145). This variant is present in population databases (rs368555424, gnomAD 0.006%). Disruption of this splice site has been observed in individual(s) with CFI-related conditions (PMID: 23421077, 24036952, 28455885; internal data). In at least one individual the data is consistent with being in trans (on the opposite chromosome) from a pathogenic variant. ClinVar contains an entry for this variant (Variation ID: 1066334). Algorithms developed to predict the effect of sequence changes on RNA splicing suggest that this variant may disrupt the consensus splice site. For these reasons, this variant has been classified as Pathogenic.

Genomenon, Inc
Classification: Likely pathogenic for CFI-related disorder. Last evaluated: 2025-09-26. Review status: criteria provided, single submitter. Criteria: Genomenon Sequence Variant Interpretation Standards - Updated. Collection method: curation. Allele origin: germline. Affected: yes.
Comment: CFI c.1429+1G>C is a canonical splice variant located in the donor splice region of intron 11. This variant has been observed in at least one proband affected with a CFI-related disorder (PMID:35253925;39238643;35619721;28455885;23431077). At least one splicing study identified that this variant results in aberrant splicing (PMID:39238643) Functional studies have been reported; however, the significance of the findings remain unclear (PMID:32908800). It is absent or not present at a significant frequency in gnomAD. In conclusion, we classify CFI c.1429+1G>C as a likely pathogenic variant.

Mayo Clinic Laboratories, Mayo Clinic
Classification: Pathogenic. Last evaluated: 2025-03-26. Review status: criteria provided, single submitter. Criteria: ACMG Guidelines, 2015. Collection method: clinical testing. Allele origin: germline. Observed: 3 variant alleles.
Comment: PM2_supporting, PS3_supporting, PS4_moderate, PVS1

Blueprint Genetics
Classification: Pathogenic for CFI-related disorders. Last evaluated: 2024-10-24. Review status: criteria provided, single submitter. Criteria: ACMG Guidelines, 2015. Collection method: clinical testing. Allele origin: germline. Affected: yes. Observed: 5 variant alleles.

Fulgent Genetics
Classification: Pathogenic for Factor I deficiency; Atypical hemolytic-uremic syndrome with I factor anomaly; Age related macular degeneration 13. Last evaluated: 2024-05-07. Review status: criteria provided, single submitter. Criteria: ACMG Guidelines, 2015. Collection method: clinical testing. Allele origin: germline.

Genome Diagnostics Laboratory, The Hospital for Sick Children
Classification: Likely pathogenic for Atypical hemolytic-uremic syndrome. Last evaluated: 2021-02-10. Review status: criteria provided, single submitter. Criteria: ACMG Guidelines, 2015. Collection method: clinical testing. Allele origin: germline.

Literature cited by the submitters: PubMed 16199547 (cited by Labcorp Genetics (formerly Invitae), Labcorp); PubMed 15917334 (cited by Labcorp Genetics (formerly Invitae), Labcorp); PubMed 16621965 (cited by Labcorp Genetics (formerly Invitae), Labcorp); PubMed 19065647 (cited by Labcorp Genetics (formerly Invitae), Labcorp); PubMed 20016463 (cited by Labcorp Genetics (formerly Invitae), Labcorp); PubMed 22710145 (cited by Labcorp Genetics (formerly Invitae), Labcorp); PubMed 23421077 (cited by Labcorp Genetics (formerly Invitae), Labcorp); PubMed 24036952 (cited by Labcorp Genetics (formerly Invitae), Labcorp and Mayo Clinic Laboratories, Mayo Clinic); PubMed 28455885 (cited by Labcorp Genetics (formerly Invitae), Labcorp and Mayo Clinic Laboratories, Mayo Clinic); PubMed 35253925 (cited by Genomenon, Inc and Mayo Clinic Laboratories, Mayo Clinic); 39238643 (cited by Genomenon, Inc); 35619721 (cited by Genomenon, Inc); 28455885 (cited by Genomenon, Inc); 23431077 (cited by Genomenon, Inc); 32908800 (cited by Genomenon, Inc); PubMed 23431077 (cited by Mayo Clinic Laboratories, Mayo Clinic); PubMed 32908800 (cited by Mayo Clinic Laboratories, Mayo Clinic); PubMed 36793547 (cited by Mayo Clinic Laboratories, Mayo Clinic).